The following is an entry in ClinVar:

NM_018129.4(PNPO):c.246del (p.Leu83fs)

Gene: PNPO (pyridoxamine 5'-phosphate oxidase; plus strand). Cytogenetic location: 17q21.32.
Variant type: Deletion.
Coding change: c.246del on transcript NM_018129.4 (MANE Select); coding-DNA position 246, one base deleted (T; older notation c.246delT).
Protein change: p.Leu83fs; shifts the reading frame from leucine 83.
Molecular consequence: frameshift variant.
Genome position (GRCh38, 1-based): chr17:47,943,413, T deleted. VCF-style (leftmost placement, unchanged base first): chr17-47943412-GT-G. GRCh37 (hg19) VCF-style: chr17-46020778-GT-G.
Other names: c.246delT (NM_018129.4); short protein forms L83fs.
Identifiers: ClinVar variation 2736611 (VCV002736611.5), dbSNP rs1485001564, ClinGen allele CA772596506.

ClinVar aggregate classification (germline): Pathogenic. Review status: criteria provided, multiple submitters, no conflicts (2 of 4 stars). 3 submissions from 3 submitters: Pathogenic (3). Last evaluated 2024-07-15.

Conditions:
Pyridoxal phosphate-responsive seizures (PNPOD). Also called: SEIZURES, PYRIDOXINE-RESISTANT, PLP-SENSITIVE; Pyridoxamine 5-Prime-Phosphate Oxidase Deficiency; Pyridoxine-5'-phosphate oxidase deficiency; EPILEPTIC ENCEPHALOPATHY, NEONATAL, PNPO-RELATED; Pyridoxal 5'-Phosphate (PLP)-Dependent Epilepsy. Identifiers: Orphanet 79096, MedGen C1864723, MONDO:0012407, OMIM 610090. Disease mechanism: loss of function.
PNPO-related disorder. Also called: PNPO-related disorders; PNPO-related condition.

Allele frequency attached by ClinVar (database versions not stated): TOPMed below 0.00001; gnomAD exomes 0.00001.

Submissions (3):

Women's Health and Genetics/Laboratory Corporation of America, LabCorp
Classification: Pathogenic for Pyridoxal phosphate-responsive seizures. Last evaluated: 2024-07-15. Review status: criteria provided, single submitter. Criteria: LabCorp Variant Classification Summary - May 2015. Collection method: clinical testing. Allele origin: germline.
Comment: Variant summary: PNPO c.246delT (p.Leu83TrpfsX17) results in a premature termination codon, predicted to cause a truncation of the encoded protein or absence of the protein due to nonsense mediated decay, which are commonly known mechanisms for disease. The variant was absent in 251392 control chromosomes. c.246delT has been reported in the literature in at-least one individual affected with Pyridoxal 5'-Phosphate-Dependent Epilepsy (example: Schmitt_2010). The following publication has been ascertained in the context of this evaluation (PMID: 20370816). ClinVar contains an entry for this variant (Variation ID: 2736611). Based on the evidence outlined above, the variant was classified as pathogenic.

Labcorp Genetics (formerly Invitae), Labcorp
Classification: Pathogenic for Pyridoxal phosphate-responsive seizures. Last evaluated: 2023-10-25. Review status: criteria provided, single submitter. Criteria: Invitae Variant Classification Sherloc (09022015). Collection method: clinical testing. Allele origin: germline.
Comment: This sequence change creates a premature translational stop signal (p.Leu83Trpfs*17) in the PNPO gene. It is expected to result in an absent or disrupted protein product. Loss-of-function variants in PNPO are known to be pathogenic (PMID: 15772097, 24645144). This variant is not present in population databases (gnomAD no frequency). This premature translational stop signal has been observed in individual(s) with pyridoxine phosphate oxidase deficiency (PMID: 20370816). For these reasons, this variant has been classified as Pathogenic.

Blueprint Genetics
Classification: Pathogenic for PNPO-related disorders. Last evaluated: 2019-09-25. Review status: criteria provided, single submitter. Criteria: ACMG Guidelines, 2015. Collection method: clinical testing. Allele origin: germline. Affected: yes. Observed: 1 variant allele.

Literature cited by the submitters: PubMed 20370816 (cited by Women's Health and Genetics/Laboratory Corporation of America, LabCorp and Labcorp Genetics (formerly Invitae), Labcorp); PubMed 15772097 (cited by Labcorp Genetics (formerly Invitae), Labcorp); PubMed 24645144 (cited by Labcorp Genetics (formerly Invitae), Labcorp).